The following is an entry in ClinVar:

NM_001042492.3(NF1):c.6786del (p.Gln2263fs)

Gene: NF1 (neurofibromin 1; plus strand). Cytogenetic location: 17q11.2.
Variant type: Deletion.
Coding change: c.6786del on transcript NM_001042492.3 (MANE Select); coding-DNA position 6786, one base deleted (G; older notation c.6786delG).
Protein change: p.Gln2263fs; shifts the reading frame from glutamine 2263.
Molecular consequence: frameshift variant.
Genome position (GRCh38, 1-based): chr17:31,338,106, G deleted; the last of 3 consecutive G bases (chr17:31,338,104-31,338,106); deleting any one gives the same sequence. VCF-style (leftmost placement, unchanged base first): chr17-31338103-TG-T. GRCh37 (hg19) VCF-style: chr17-29665121-TG-T.
Other names: c.6723del, p.Gln2242fs (NM_000267.4); short protein forms Q2263fs, Q2242fs.
Identifiers: ClinVar variation 4717867 (VCV004717867.1).
Genomic context (GRCh38, chr17:31,338,103, plus strand): 5'-TCCATCCCTGCAACCAAGAGCTCTTGTTGTCTTTGGGTGTATTAGCAAACGAGTGTCTCA[TG>T]GGCAGATAAAGCAGATAATCCGTATTCTTAGCAAGGTACCTGTTCCGCCCTCACTTCTCC-3'

ClinVar aggregate classification (germline): Pathogenic (1 of 4 stars; one submission).

Conditions:
Neurofibromatosis, type 1 (NF1). Also called: NEUROFIBROMATOSIS, TYPE I, SOMATIC; VON RECKLINGHAUSEN DISEASE; Peripheral type neurofibromatosis; Neurofibromatosis, type I. Identifiers: Orphanet 636, MedGen C0027831, MONDO:0018975, OMIM 162200. Disease mechanism: loss of function.

Submission:

Labcorp Genetics (formerly Invitae), Labcorp
Classification: Pathogenic for Neurofibromatosis, type 1. Last evaluated: 2025-04-18. Review status: criteria provided, single submitter. Criteria: Invitae Variant Classification Sherloc (09022015). Collection method: clinical testing. Allele origin: germline.
Comment: This sequence change creates a premature translational stop signal (p.Gln2242Argfs*2) in the NF1 gene. It is expected to result in an absent or disrupted protein product. Loss-of-function variants in NF1 are known to be pathogenic (PMID: 10712197, 23913538). This variant is not present in population databases (gnomAD no frequency). This variant has not been reported in the literature in individuals affected with NF1-related conditions. For these reasons, this variant has been classified as Pathogenic.

Literature cited by the submitters: PubMed 10712197; PubMed 23913538.